The following is an entry in ClinVar:

NM_207581.4(DUOXA2):c.740G>C (p.Gly247Ala)

Gene: DUOXA2 (dual oxidase maturation factor 2; plus strand). Cytogenetic location: 15q21.1.
Variant type: single nucleotide variant.
Coding change: c.740G>C on transcript NM_207581.4 (MANE Select); coding-DNA position 740, G replaced by C.
Protein change: p.Gly247Ala; replaces glycine 247 with alanine.
Molecular consequence: missense variant.
Genome position (GRCh38, 1-based): chr15:45,117,276, G>C. VCF-style: chr15-45117276-G-C. GRCh37 (hg19) VCF-style: chr15-45409474-G-C.
Other names: short protein forms G247A.
Identifiers: ClinVar variation 430236 (VCV000430236.2), dbSNP rs1131691847, ClinGen allele CA392284441.

ClinVar aggregate classification (germline): Uncertain significance (1 of 4 stars; one submission).

Submission:

GeneDx
Classification: Uncertain significance. Last evaluated: 2017-05-22. Review status: criteria provided, single submitter. Criteria: GeneDx Variant Classification (06012015). Collection method: clinical testing. Allele origin: germline. Affected: yes.
Comment: The G247A variant in the DUOXA2 gene has not been reported previously as a pathogenic variant, nor as a benign variant, to our knowledge. The G247A variant is not observed in large population cohorts (Lek et al., 2016; 1000 Genomes Consortium et al., 2015; Exome Variant Server). The G247A variant is a conservative amino acid substitution, which is not likely to impact secondary protein structure as these residues share similar properties. This substitution occurs at a position that is conserved in mammals. In silico analysis predicts this variant is probably damaging to the protein structure/function. We interpret G247A as a variant of uncertain significance.